The following is an entry in ClinVar:

NM_006922.4(SCN3A):c.3320T>C (p.Val1107Ala)

Gene: SCN3A (sodium voltage-gated channel alpha subunit 3; minus strand). Cytogenetic location: 2q24.3.
Variant type: single nucleotide variant.
Coding change: c.3320T>C on transcript NM_006922.4 (MANE Select); coding-DNA position 3320, T replaced by C.
Protein change: p.Val1107Ala; replaces valine 1107 with alanine.
Molecular consequence: missense variant.
Genome position (GRCh38, 1-based): chr2:165,127,704, A>G on the plus strand (T>C on the coding strand, the complement: SCN3A is on the minus strand). VCF-style: chr2-165127704-A-G. GRCh37 (hg19) VCF-style: chr2-165984214-A-G.
Other names: c.3173T>C, p.Val1058Ala (NM_001081676.2, NM_001081677.2); short protein forms V1058A, V1107A.
Identifiers: ClinVar variation 726317 (VCV000726317.16), dbSNP rs12474273, ClinGen allele CA1938822.

ClinVar aggregate classification (germline): Conflicting classifications of pathogenicity. Review status: criteria provided, conflicting classifications (1 of 4 stars). 5 submissions from 5 submitters: Uncertain significance (1); Likely benign (3). 1 of the submissions does not count toward it. Last evaluated 2026-04-23.

Conditions:
Inborn genetic diseases. Identifiers: MedGen C0950123, MeSH D030342.
SCN3A-related disorder. Also called: SCN3A-related condition.

Allele frequency attached by ClinVar (database versions not stated): gnomAD 0.00002; gnomAD exomes 0.00002 and 0.00014; TOPMed 0.00008; ExAC 0.00010.
gnomAD v4.1: 38 of 1,614,046 alleles (0.0024%); highest among the groups gnomAD compares: Admixed American, 0.063%; no homozygotes.

Submissions (5):

Ambry Genetics
Classification: Likely benign for Inborn genetic diseases. Last evaluated: 2026-04-23. Review status: criteria provided, single submitter. Criteria: Ambry Variant Classification Scheme 2023. Collection method: clinical testing. Allele origin: germline.

CeGaT Center for Human Genetics Tuebingen
Classification: Uncertain significance. Last evaluated: 2026-04-01. Review status: criteria provided, single submitter. Criteria: CeGaT Center For Human Genetics Tuebingen Variant Classification Criteria Version 2. Collection method: clinical testing. Allele origin: germline. Affected: yes. Observed: 1 variant allele.

Labcorp Genetics (formerly Invitae), Labcorp
Classification: Likely benign. Last evaluated: 2025-03-26. Review status: criteria provided, single submitter. Criteria: Invitae Variant Classification Sherloc (09022015). Collection method: clinical testing. Allele origin: germline.

Athena Diagnostics
Classification: Likely benign. Last evaluated: 2024-11-18. Review status: criteria provided, single submitter. Criteria: Athena Diagnostics Criteria. Collection method: clinical testing. Allele origin: unknown.

PreventionGenetics, part of Exact Sciences
Classification: Likely benign for SCN3A-related condition. Last evaluated: 2022-11-11. Review status: no assertion criteria provided. Collection method: clinical testing. Allele origin: germline. Not counted in ClinVar's aggregate classification.
Comment: This variant is classified as likely benign based on ACMG/AMP sequence variant interpretation guidelines (Richards et al. 2015 PMID: 25741868, with internal and published modifications).

Literature cited by the submitters: PubMed 26986070 (cited by Athena Diagnostics); PubMed 21733155 (cited by Athena Diagnostics).